The following is an entry in ClinVar:

NM_002471.4(MYH6):c.4625T>A (p.Leu1542Gln)

Gene: MYH6 (myosin heavy chain 6; minus strand). Cytogenetic location: 14q11.2.
Variant type: single nucleotide variant.
Coding change: c.4625T>A on transcript NM_002471.4 (MANE Select); coding-DNA position 4625, T replaced by A.
Protein change: p.Leu1542Gln; replaces leucine 1542 with glutamine.
Molecular consequence: missense variant.
Genome position (GRCh38, 1-based): chr14:23,387,554, A>T on the plus strand (T>A on the coding strand, the complement: MYH6 is on the minus strand). VCF-style: chr14-23387554-A-T. GRCh37 (hg19) VCF-style: chr14-23856763-A-T.
Other names: short protein forms L1542Q.
Identifiers: ClinVar variation 660063 (VCV000660063.1), dbSNP rs1595050469, ClinGen allele CA388995855.

ClinVar aggregate classification (germline): Uncertain significance (1 of 4 stars; one submission).

Conditions:
Hypertrophic cardiomyopathy 14. Identifiers: MedGen C2750467, MONDO:0013197, OMIM 613251.

Allele frequency attached by ClinVar (database versions not stated): TOPMed below 0.00001; gnomAD exomes 0.00001.
gnomAD v4.1: 3 of 1,614,056 alleles (0.00019%); highest among the groups gnomAD compares: Non-Finnish European, 0.00025%; no homozygotes.

Submission:

Labcorp Genetics (formerly Invitae), Labcorp
Classification: Uncertain significance for Familial hypertrophic cardiomyopathy 14. Last evaluated: 2018-08-13. Review status: criteria provided, single submitter. Criteria: Invitae Variant Classification Sherloc (09022015). Collection method: clinical testing. Allele origin: germline.
Comment: This sequence change replaces leucine with glutamine at codon 1542 of the MYH6 protein (p.Leu1542Gln). The leucine residue is weakly conserved and there is a moderate physicochemical difference between leucine and glutamine. This variant is not present in population databases (ExAC no frequency). This variant has not been reported in the literature in individuals with MYH6-related disease. Algorithms developed to predict the effect of missense changes on protein structure and function are either unavailable or do not agree on the potential impact of this missense change (SIFT: "Deleterious"; PolyPhen-2: "Probably Damaging"; Align-GVGD: "Class C0"). In summary, the available evidence is currently insufficient to determine the role of this variant in disease. Therefore, it has been classified as a Variant of Uncertain Significance.